The following is an entry in ClinVar:

ClinVar aggregate classification (germline): Uncertain significance. Review status: criteria provided, multiple submitters, no conflicts (2 of 4 stars). 2 submissions from 2 submitters: Uncertain significance (2). Last evaluated 2024-06-14.

Conditions:
Retinitis pigmentosa 93. Identifiers: MedGen C5676970, MONDO:0030797, OMIM 619845.
COACH syndrome 2. Identifiers: MedGen C5436837, MONDO:0030859, OMIM 619111.
Meckel syndrome, type 6. Identifiers: Orphanet 564, MedGen C2676790, MONDO:0012848, OMIM 612284.
Joubert syndrome 9 (JBTS9). Identifiers: Orphanet 2318, MedGen C2676788, MONDO:0012849, OMIM 612285.
Joubert syndrome. Also called: Familial aplasia of the vermis; JOUBERT-BOLTSHAUSER SYNDROME. Identifiers: Orphanet 475, MedGen C5979921, MONDO:0018772.
Meckel-Gruber syndrome. Also called: Dysencephalia splachnocystica; DYSENCEPHALIA SPLANCHNOCYSTICA; GRUBER SYNDROME. Identifiers: Orphanet 564, MedGen C0265215, MONDO:0018921.

Allele frequency attached by ClinVar (database versions not stated): gnomAD exomes below 0.00001; TOPMed below 0.00001.
gnomAD v4.1: 4 of 1,613,620 alleles (0.00025%); highest among the groups gnomAD compares: Admixed American, 0.0017%; no homozygotes.

Submissions (2):

Fulgent Genetics
Classification: Uncertain significance for Meckel syndrome, type 6; Joubert syndrome 9; COACH syndrome 2; Retinitis pigmentosa 93. Last evaluated: 2024-06-14. Review status: criteria provided, single submitter. Criteria: ACMG Guidelines, 2015. Collection method: clinical testing. Allele origin: germline.

Labcorp Genetics (formerly Invitae), Labcorp
Classification: Uncertain significance for Joubert syndrome; Meckel-Gruber syndrome. Last evaluated: 2023-11-27. Review status: criteria provided, single submitter. Criteria: Invitae Variant Classification Sherloc (09022015). Collection method: clinical testing. Allele origin: germline.
Comment: This sequence change replaces valine, which is neutral and non-polar, with alanine, which is neutral and non-polar, at codon 1542 of the CC2D2A protein (p.Val1542Ala). This variant is not present in population databases (gnomAD no frequency). This variant has not been reported in the literature in individuals affected with CC2D2A-related conditions. ClinVar contains an entry for this variant (Variation ID: 1984669). Algorithms developed to predict the effect of missense changes on protein structure and function output the following: SIFT: "Not Available"; PolyPhen-2: "Benign"; Align-GVGD: "Not Available". The alanine amino acid residue is found in multiple mammalian species, which suggests that this missense change does not adversely affect protein function. In summary, the available evidence is currently insufficient to determine the role of this variant in disease. Therefore, it has been classified as a Variant of Uncertain Significance.

NM_001378615.1(CC2D2A):c.4625T>C (p.Val1542Ala)

Genes: CC2D2A (coiled-coil and C2 domain containing 2A; plus strand), FBXL5 (F-box and leucine rich repeat protein 5; minus strand). Cytogenetic location: 4p15.32.
Variant type: single nucleotide variant.
Coding change: c.4625T>C on transcript NM_001378615.1 (MANE Select); coding-DNA position 4625, T replaced by C.
Protein change: p.Val1542Ala; replaces valine 1542 with alanine.
Molecular consequence: missense variant.
Genome position (GRCh38, 1-based): chr4:15,599,657, T>C. VCF-style: chr4-15599657-T-C. GRCh37 (hg19) VCF-style: chr4-15601280-T-C.
Other names: c.4625T>C, p.Val1542Ala (NM_001080522.2); c.4478T>C, p.Val1493Ala (NM_001378617.1); short protein forms V1542A, V1493A.
Identifiers: ClinVar variation 1984669 (VCV001984669.5), dbSNP rs1721490418, ClinGen allele CA356434481.